The following is an entry in ClinVar:

ClinVar aggregate classification (germline): Conflicting classifications of pathogenicity. Review status: criteria provided, conflicting classifications (1 of 4 stars). 2 submissions from 2 submitters: Uncertain significance (1); Likely benign (1). Last evaluated 2026-04-27.

Conditions:
Dyskeratosis congenita, autosomal dominant 2. Identifiers: MedGen C3151443, MONDO:0013521, OMIM 613989.
Interstitial lung disease 2 (ILD2). Also called: FIBROCYSTIC PULMONARY DYSPLASIA; FIBROSING ALVEOLITIS, CRYPTOGENIC; Familial idiopathic pulmonary fibrosis. Identifiers: Orphanet 2032, Orphanet 79126, MedGen C5561926, MONDO:0800497, OMIM 178500, MONDO:0800029.
Dyskeratosis congenita. Identifiers: Orphanet 1775, MedGen C0265965, MONDO:0015780.

Submissions (2):

Ambry Genetics
Classification: Likely benign for Dyskeratosis congenita. Last evaluated: 2026-04-27. Review status: criteria provided, single submitter. Criteria: Ambry Variant Classification Scheme 2023. Collection method: clinical testing. Allele origin: germline.

Labcorp Genetics (formerly Invitae), Labcorp
Classification: Uncertain significance for Dyskeratosis congenita, autosomal dominant, 2; Idiopathic fibrosing alveolitis, chronic form. Last evaluated: 2018-05-21. Review status: criteria provided, single submitter. Criteria: Invitae Variant Classification Sherloc (09022015). Collection method: clinical testing. Allele origin: germline.
Comment: This sequence change replaces asparagine with serine at codon 961 of the TERT protein (p.Asn961Ser). The asparagine residue is weakly conserved and there is a small physicochemical difference between asparagine and serine. This variant is not present in population databases (ExAC no frequency). This variant has not been reported in the literature in individuals with TERT-related disease. Algorithms developed to predict the effect of missense changes on protein structure and function output the following: SIFT: "Tolerated"; PolyPhen-2: "Benign"; Align-GVGD: "Class C0". The serine amino acid residue is found in multiple mammalian species, suggesting that this missense change does not adversely affect protein function. These predictions have not been confirmed by published functional studies and their clinical significance is uncertain. Algorithms developed to predict the effect of sequence changes on RNA splicing suggest that this variant may create or strengthen a splice site, but this prediction has not been confirmed by published transcriptional studies. In summary, the available evidence is currently insufficient to determine the role of this variant in disease. Therefore, it has been classified as a Variant of Uncertain Significance.

NM_198253.3(TERT):c.2882A>G (p.Asn961Ser)

Gene: TERT (telomerase reverse transcriptase; minus strand). Cytogenetic location: 5p15.33.
Variant type: single nucleotide variant.
Coding change: c.2882A>G on transcript NM_198253.3 (MANE Select); coding-DNA position 2882, A replaced by G.
Protein change: p.Asn961Ser; replaces asparagine 961 with serine.
Molecular consequence: missense variant. On other transcripts: non-coding transcript variant (2).
Genome position (GRCh38, 1-based): chr5:1,260,562, T>C on the plus strand (A>G on the coding strand, the complement: TERT is on the minus strand). VCF-style: chr5-1260562-T-C. GRCh37 (hg19) VCF-style: chr5-1260677-T-C.
Other names: c.2693A>G, p.Asn898Ser (NM_001193376.3); short protein forms N961S, N898S.
Identifiers: ClinVar variation 579326 (VCV000579326.2), dbSNP rs1561190919, ClinGen allele CA359070298.